The following is an entry in ClinVar:

ClinVar aggregate classification (germline): Uncertain significance (1 of 4 stars; one submission).

Allele frequency attached by ClinVar (database versions not stated): TOPMed below 0.00001; ExAC 0.00001; gnomAD exomes 0.00001.
gnomAD v4.1: 18 of 1,583,848 alleles (0.0011%); highest among the groups gnomAD compares: South Asian, 0.012%; no homozygotes.

Submission:

Labcorp Genetics (formerly Invitae), Labcorp
Classification: Uncertain significance. Last evaluated: 2025-10-07. Review status: criteria provided, single submitter. Criteria: Invitae Variant Classification Sherloc (09022015). Collection method: clinical testing. Allele origin: germline.
Comment: This sequence change replaces threonine, which is neutral and polar, with methionine, which is neutral and non-polar, at codon 3 of the IL6ST protein (p.Thr3Met). This variant is present in population databases (rs764660393, gnomAD 0.02%). This variant has not been reported in the literature in individuals affected with IL6ST-related conditions. ClinVar contains an entry for this variant (Variation ID: 1944491). An algorithm developed to predict the effect of missense changes on protein structure and function outputs the following: PolyPhen-2: "Benign". The methionine amino acid residue is found in multiple mammalian species, which suggests that this missense change does not adversely affect protein function. In summary, the available evidence is currently insufficient to determine the role of this variant in disease. Therefore, it has been classified as a Variant of Uncertain Significance.

NM_002184.4(IL6ST):c.8C>T (p.Thr3Met)

Gene: IL6ST (interleukin 6 cytokine family signal transducer; minus strand). Cytogenetic location: 5q11.2.
Variant type: single nucleotide variant.
Coding change: c.8C>T on transcript NM_002184.4 (MANE Select); coding-DNA position 8, C replaced by T.
Protein change: p.Thr3Met; replaces threonine 3 with methionine.
Molecular consequence: missense variant. On other transcripts: 5 prime UTR variant (3), non-coding transcript variant (2).
Genome position (GRCh38, 1-based): chr5:55,976,271, G>A on the plus strand (C>T on the coding strand, the complement: IL6ST is on the minus strand). VCF-style: chr5-55976271-G-A. GRCh37 (hg19) VCF-style: chr5-55272099-G-A.
Other names: c.8C>T, p.Thr3Met (NM_001190981.2, NM_001364275.2, NM_001364276.2 and 1 more transcripts); c.-785C>T (NM_001364277.2, NM_001364279.2); c.-775C>T (NM_001364278.2); short protein forms T3M.
Identifiers: ClinVar variation 1944491 (VCV001944491.5), dbSNP rs764660393, ClinGen allele CA3271797.